The following is an entry in ClinVar:

ClinVar aggregate classification (germline): Uncertain significance (1 of 4 stars; one submission).

gnomAD v4.1: 9 of 1,613,712 alleles (0.00056%); highest among the groups gnomAD compares: Admixed American, 0.012%; no homozygotes.

Submission:

Women's Health and Genetics/Laboratory Corporation of America, LabCorp
Classification: Uncertain significance. Last evaluated: 2024-11-06. Review status: criteria provided, single submitter. Criteria: LabCorp Variant Classification Summary - May 2015. Collection method: clinical testing. Allele origin: germline.
Comment: Variant summary: TIAM1 c.2218-3T>C alters a non-conserved nucleotide located close to a canonical splice site and therefore could affect mRNA splicing, leading to a significantly altered protein sequence. Consensus agreement among computation tools predict no significant impact on normal splicing. However, these predictions have yet to be confirmed by functional studies. The variant allele was found at a frequency of 4e-06 in 250760 control chromosomes. The available data on variant occurrences in the general population are insufficient to allow any conclusion about variant significance. To our knowledge, no occurrence of c.2218-3T>C in individuals affected with Neurodevelopmental Disorder With Language Delay And Seizures and no experimental evidence demonstrating its impact on protein function have been reported. No submitters have cited clinical-significance assessments for this variant to ClinVar. Based on the evidence outlined above, the variant was classified as uncertain significance.

NM_001353694.2(TIAM1):c.2218-3T>C

Gene: TIAM1 (TIAM Rac1 associated GEF 1; minus strand). Cytogenetic location: 21q22.11.
Variant type: single nucleotide variant.
Coding change: c.2218-3T>C on transcript NM_001353694.2 (MANE Select); 3 bases into the intron before coding-DNA position 2218, T replaced by C.
Molecular consequence: intron variant.
Genome position (GRCh38, 1-based): chr21:31,210,218, A>G on the plus strand (T>C on the coding strand, the complement: TIAM1 is on the minus strand). VCF-style: chr21-31210218-A-G. GRCh37 (hg19) VCF-style: chr21-32582534-A-G.
Other names: c.2218-3T>C (NM_001353690.1, NM_003253.3, NM_001353688.1 and 5 more transcripts); c.2143-3T>C (NM_001353687.2).
Identifiers: ClinVar variation 3629783 (VCV003629783.1).